The following is an entry in ClinVar:

ClinVar aggregate classification (germline): Likely benign (1 of 4 stars; one submission).

Submission:

Women's Health and Genetics/Laboratory Corporation of America, LabCorp
Classification: Likely benign. Last evaluated: 2025-03-11. Review status: criteria provided, single submitter. Criteria: LabCorp Variant Classification Summary - May 2015. Collection method: clinical testing. Allele origin: germline.
Comment: Variant summary: LAMA1 c.1788G>T results in a synonymous change. Consensus agreement among computation tools predict no significant impact on normal splicing. However, these predictions have yet to be confirmed by functional studies. The variant allele was found at a frequency of 4e-06 in 251478 control chromosomes (gnomAD). The available data on variant occurrences in the general population are insufficient to allow any conclusion about variant significance. To our knowledge, no occurrence of c.1788G>T in individuals affected with Ataxia-Intellectual Disability-Oculomotor Apraxia-Cerebellar Cysts Syndrome and no experimental evidence demonstrating its impact on protein function have been reported. No submitters have cited clinical-significance assessments for this variant to ClinVar. Based on the evidence outlined above, the variant was classified as likely benign.

NM_005559.4(LAMA1):c.1788G>T (p.Pro596=)

Gene: LAMA1 (laminin subunit alpha 1; minus strand). Cytogenetic location: 18p11.31.
Variant type: single nucleotide variant.
Coding change: c.1788G>T on transcript NM_005559.4 (MANE Select); coding-DNA position 1788, G replaced by T.
Protein change: p.Pro596=; no amino-acid change (proline 596 retained).
Molecular consequence: synonymous variant.
Genome position (GRCh38, 1-based): chr18:7,036,038, C>A on the plus strand (G>T on the coding strand, the complement: LAMA1 is on the minus strand). VCF-style: chr18-7036038-C-A. GRCh37 (hg19) VCF-style: chr18-7036037-C-A.
Identifiers: ClinVar variation 3895710 (VCV003895710.1).